The following is an entry in ClinVar:

ClinVar aggregate classification (germline): Uncertain significance. Review status: criteria provided, multiple submitters, no conflicts (2 of 4 stars). 2 submissions from 2 submitters: Uncertain significance (2). Last evaluated 2021-08-27.

Conditions:
Hereditary nonpolyposis colorectal neoplasms. Identifiers: MedGen C0009405, MeSH D003123.
Hereditary cancer-predisposing syndrome. Also called: Neoplastic Syndromes, Hereditary; Tumor predisposition; Hereditary Cancer Syndrome; Hereditary neoplastic syndrome. Identifiers: Orphanet 140162, MedGen C0027672, MeSH D009386, MONDO:0015356.

Submissions (2):

Labcorp Genetics (formerly Invitae), Labcorp
Classification: Uncertain significance for Hereditary nonpolyposis colorectal neoplasms. Last evaluated: 2021-08-27. Review status: criteria provided, single submitter. Criteria: Invitae Variant Classification Sherloc (09022015). Collection method: clinical testing. Allele origin: germline.
Comment: This variant, c.846_848del, results in the deletion of 1 amino acid(s) of the PMS2 protein (p.Arg282del), but otherwise preserves the integrity of the reading frame. This variant is present in population databases (rs776688670, ExAC 0.01%). This variant has not been reported in the literature in individuals affected with PMS2-related conditions. Experimental studies and prediction algorithms are not available or were not evaluated, and the functional significance of this variant is currently unknown. In summary, the available evidence is currently insufficient to determine the role of this variant in disease. Therefore, it has been classified as a Variant of Uncertain Significance.

Ambry Genetics
Classification: Uncertain significance for Hereditary cancer-predisposing syndrome. Last evaluated: 2021-05-07. Review status: criteria provided, single submitter. Criteria: Ambry Variant Classification Scheme 2023. Collection method: clinical testing. Allele origin: germline.
Comment: The c.846_848delGAG variant (also known as p.R282del) is located in coding exon 8 of the PMS2 gene. This variant results from an in-frame GAG deletion at nucleotide positions 846 to 848. This results in the in-frame deletion of an arginine at codon 282. In a study of whole-exome sequencing in patients with features of Cowden syndrome (CS) or Bannayan-Riley-Ruvalcaba syndrome (BRRS) and negative PTEN testing, this alteration was identified in 0/87 patients with CS or BRRS and 1/3476 patients from The Cancer Genome Atlas (TCGA) (Yehia L et al. PLoS Genet, 2018 04;14:e1007352). This amino acid position is highly conserved in available vertebrate species. In addition, this alteration is predicted to be deleterious by in silico analysis (Choi Y et al. PLoS ONE. 2012; 7(10):e46688). Since supporting evidence is limited at this time, the clinical significance of this alteration remains unclear.

Literature cited by the submitters: PubMed 29684080 (cited by Ambry Genetics).

NM_000535.7(PMS2):c.846_848del (p.Arg282del)

Gene: PMS2 (PMS1 homolog 2, mismatch repair system component; minus strand). Cytogenetic location: 7p22.1.
Variant type: Deletion.
Coding change: c.846_848del on transcript NM_000535.7 (MANE Select); coding-DNA positions 846 to 848, 3 bases deleted (GAG; older notation c.846_848delGAG).
Protein change: p.Arg282del; deletes arginine 282.
Molecular consequence: inframe deletion. On other transcripts: 5 prime UTR variant (2), non-coding transcript variant (1).
Genome position (GRCh38, 1-based): chr7:5,995,589-5,995,591, CTC deleted on the plus strand (GAG on the coding strand, the reverse complement: PMS2 is on the minus strand); deleting any 3 consecutive bases within chr7:5,995,589-5,995,593 gives the same sequence; the c. name uses the placement nearest the transcript's 3' end. VCF-style (leftmost placement, unchanged base first): chr7-5995588-ACTC-A. GRCh37 (hg19) VCF-style: chr7-6035219-ACTC-A.
Other names: c.441_443del, p.Arg147del (NM_001322003.2, NM_001322004.2, NM_001322005.2 and 2 more transcripts); c.846_848del, p.Arg282del (NM_001322006.2, NM_001322014.2); c.528_530del, p.Arg176del (NM_001322007.2, NM_001322008.2); c.-88_-86del (NM_001322011.2, NM_001322012.2); c.273_275del, p.Arg91del (NM_001322013.2); c.537_539del, p.Arg179del (NM_001322015.2); short protein forms R282del, R176del, R179del, R147del, R91del.
Identifiers: ClinVar variation 525663 (VCV000525663.8), dbSNP rs776688670, ClinGen allele CA4150125.
Genomic context (GRCh38, chr7:5,995,588, plus strand): 5'-AAATACCTTTGCTGGGTCACAAGGCCGCCGGTTGATAAAGAAAAACTGTCTGTCTGTTGA[ACTC>A]CTTCCAACTCCATGCGTGCATTGTGAAATGAAACCTGAGATGCTATTCAACATTAATATG-3'